The following is an entry in ClinVar:

ClinVar aggregate classification (germline): Conflicting classifications of pathogenicity. Review status: criteria provided, conflicting classifications (1 of 4 stars). 5 submissions from 5 submitters: Uncertain significance (2); Likely benign (2). 1 of the submissions does not count toward it. Last evaluated 2025-12-24.

Conditions:
VCAN-related disorder. Also called: VCAN-related condition.
Inborn genetic diseases. Identifiers: MedGen C0950123, MeSH D030342.

Allele frequency attached by ClinVar (database versions not stated): gnomAD exomes 0.00009 and 0.00015; ExAC 0.00015; 1000 Genomes Project 30x 0.00031; 1000 Genomes Project 0.00040; gnomAD 0.00064 and 0.00069; ESP Exome Variant Server 0.00069; TOPMed 0.00083.
gnomAD v4.1: 231 of 1,613,806 alleles (0.014%); highest among the groups gnomAD compares: African/African-American, 0.25%; 3 homozygotes.

Submissions (5):

Labcorp Genetics (formerly Invitae), Labcorp
Classification: Likely benign. Last evaluated: 2025-12-24. Review status: criteria provided, single submitter. Criteria: Invitae Variant Classification Sherloc (09022015). Collection method: clinical testing. Allele origin: germline.

GeneDx
Classification: Uncertain significance. Last evaluated: 2025-02-12. Review status: criteria provided, single submitter. Criteria: GeneDx Variant Classification Process June 2021. Collection method: clinical testing. Allele origin: germline. Affected: yes.
Comment: In silico analysis indicates that this missense variant does not alter protein structure/function; Has not been previously published as pathogenic or benign to our knowledge

Blueprint Genetics
Classification: Likely benign. Last evaluated: 2024-09-15. Review status: criteria provided, single submitter. Criteria: ACMG Guidelines, 2015. Collection method: clinical testing. Allele origin: germline.

Ambry Genetics
Classification: Uncertain significance for Inborn genetic diseases. Last evaluated: 2021-09-17. Review status: criteria provided, single submitter. Criteria: Ambry Variant Classification Scheme 2023. Collection method: clinical testing. Allele origin: germline.

PreventionGenetics, part of Exact Sciences
Classification: Likely benign for VCAN-related condition. Last evaluated: 2024-06-10. Review status: no assertion criteria provided. Collection method: clinical testing. Allele origin: germline. Not counted in ClinVar's aggregate classification.
Comment: This variant is classified as likely benign based on ACMG/AMP sequence variant interpretation guidelines (Richards et al. 2015 PMID: 25741868, with internal and published modifications).

NM_004385.5(VCAN):c.6482A>G (p.Lys2161Arg)

Genes: VCAN (versican; plus strand), VCAN-AS1 (VCAN antisense RNA 1; minus strand). Cytogenetic location: 5q14.3.
Variant type: single nucleotide variant.
Coding change: c.6482A>G on transcript NM_004385.5 (MANE Select); coding-DNA position 6482, A replaced by G.
Protein change: p.Lys2161Arg; replaces lysine 2161 with arginine.
Molecular consequence: missense variant. On other transcripts: intron variant (2).
Genome position (GRCh38, 1-based): chr5:83,539,485, A>G. VCF-style: chr5-83539485-A-G. GRCh37 (hg19) VCF-style: chr5-82835304-A-G.
Other names: c.3521A>G, p.Lys1174Arg (NM_001164097.2); c.4004-6052A>G (NM_001164098.2); c.1043-6052A>G (NM_001126336.3); c.6482A>G (NM_004385.4); short protein forms K1174R, K2161R.
Identifiers: ClinVar variation 1104728 (VCV001104728.13), dbSNP rs149408243, ClinGen allele CA3333483.